The following is an entry in ClinVar:

ClinVar aggregate classification (germline): Uncertain significance (1 of 4 stars; one submission).

Conditions:
Progressive myoclonic epilepsy type 9. Identifiers: Orphanet 457265, MedGen C4225289, MONDO:0014685, OMIM 616540.
Lipodystrophy, partial, acquired, susceptibility to (APLD). Also called: APLD, SUSCEPTIBILITY TO. Identifiers: MedGen C3887501, MONDO:0100476, OMIM 608709.

Allele frequency attached by ClinVar (database versions not stated): gnomAD exomes below 0.00001; ExAC 0.00001; gnomAD 0.00001; ESP Exome Variant Server 0.00008.

Submission:

Labcorp Genetics (formerly Invitae), Labcorp
Classification: Uncertain significance for Progressive myoclonic epilepsy type 9; Lipodystrophy, partial, acquired, susceptibility to. Last evaluated: 2022-06-13. Review status: criteria provided, single submitter. Criteria: Invitae Variant Classification Sherloc (09022015). Collection method: clinical testing. Allele origin: germline.
Comment: In summary, the available evidence is currently insufficient to determine the role of this variant in disease. Therefore, it has been classified as a Variant of Uncertain Significance. Algorithms developed to predict the effect of missense changes on protein structure and function (SIFT, PolyPhen-2, Align-GVGD) all suggest that this variant is likely to be disruptive. This variant has not been reported in the literature in individuals affected with LMNB2-related conditions. This variant is present in population databases (rs375451196, gnomAD 0.002%). This sequence change replaces arginine, which is basic and polar, with cysteine, which is neutral and slightly polar, at codon 114 of the LMNB2 protein (p.Arg114Cys).

NM_032737.4(LMNB2):c.340C>T (p.Arg114Cys)

Gene: LMNB2 (lamin B2; minus strand). Cytogenetic location: 19p13.3.
Variant type: single nucleotide variant.
Coding change: c.340C>T on transcript NM_032737.4 (MANE Select); coding-DNA position 340, C replaced by T.
Protein change: p.Arg114Cys; replaces arginine 114 with cysteine.
Molecular consequence: missense variant.
Genome position (GRCh38, 1-based): chr19:2,444,465, G>A on the plus strand (C>T on the coding strand, the complement: LMNB2 is on the minus strand). VCF-style: chr19-2444465-G-A. GRCh37 (hg19) VCF-style: chr19-2444463-G-A.
Other names: short protein forms R114C.
Identifiers: ClinVar variation 1476784 (VCV001476784.8), dbSNP rs375451196, ClinGen allele CA9067935.